The following is an entry in ClinVar:

ClinVar aggregate classification (germline): Uncertain significance (1 of 4 stars; one submission).

Allele frequency attached by ClinVar (database versions not stated): gnomAD exomes below 0.00001.
gnomAD v4.1: 1 of 1,613,902 alleles (0.000062%); highest among the groups gnomAD compares: Non-Finnish European, 0.000085%; no homozygotes.

Submission:

CeGaT Center for Human Genetics Tuebingen
Classification: Uncertain significance. Last evaluated: 2022-06-01. Review status: criteria provided, single submitter. Criteria: CeGaT Center For Human Genetics Tuebingen Variant Classification Criteria Version 2. Collection method: clinical testing. Allele origin: germline. Affected: yes. Observed: 1 variant allele.
Comment: MBD5: PM2, BP4

NM_001378120.1(MBD5):c.606A>G (p.Arg202=)

Gene: MBD5 (methyl-CpG binding domain protein 5; plus strand). Cytogenetic location: 2q23.1.
Variant type: single nucleotide variant.
Coding change: c.606A>G on transcript NM_001378120.1 (MANE Select); coding-DNA position 606, A replaced by G.
Protein change: p.Arg202=; no amino-acid change (arginine 202 retained).
Molecular consequence: synonymous variant.
Genome position (GRCh38, 1-based): chr2:148,468,549, A>G. VCF-style: chr2-148468549-A-G. GRCh37 (hg19) VCF-style: chr2-149226118-A-G.
Other names: c.606A>G, p.Arg202= (NM_018328.5).
Identifiers: ClinVar variation 2651404 (VCV002651404.24), dbSNP rs1553518446, ClinGen allele CA429447176.
Genomic context (GRCh38, chr2:148,468,549, plus strand): 5'-TGTACAAGAACTGCCTGGAAGCCAACAACAAGAACTCCACCCTGTCTACCCCCGACAGAG[A>G]TTGGGCAGCAGTGAACATGGACAGAAATCTCCATTCCGTGGCAGCCATGGAGGCCTGCCC-3'
Protein context (NP_001365049.1, residues 192-212): QELHPVYPRQ[Arg202=]LGSSEHGQKS